The following is an entry in ClinVar:

NM_000271.5(NPC1):c.2780C>T (p.Ala927Val)

Gene: NPC1 (NPC intracellular cholesterol transporter 1; minus strand). Cytogenetic location: 18q11.2.
Variant type: single nucleotide variant.
Coding change: c.2780C>T on transcript NM_000271.5 (MANE Select); coding-DNA position 2780, C replaced by T.
Protein change: p.Ala927Val; replaces alanine 927 with valine.
Molecular consequence: missense variant.
Genome position (GRCh38, 1-based): chr18:23,539,826, G>A on the plus strand (C>T on the coding strand, the complement: NPC1 is on the minus strand). VCF-style: chr18-23539826-G-A. GRCh37 (hg19) VCF-style: chr18-21119790-G-A.
Other names: short protein forms A927V.
Identifiers: ClinVar variation 552715 (VCV000552715.18), dbSNP rs753768576, ClinGen allele CA8912979.
Genomic context (GRCh38, chr18:23,539,826, plus strand): 5'-AGCCTCCTCCGCTGCTTCTGAAGTACAAGACAAGGTGGTACTGACTAGTTGTCCAGCTGC[G>A]CCGCGTTAAATATCTGCTGCACCAGGGAATCATTGTTGCAGCCCATGCCGCCGCACACCA-3'
Protein context (NP_000262.2, residues 917-937): DSLVQQIFNA[Ala927Val]QLDNYTRIGF

ClinVar aggregate classification (germline): Pathogenic/Likely pathogenic. Review status: criteria provided, multiple submitters, no conflicts (2 of 4 stars). 9 submissions from 9 submitters: Pathogenic (6); Likely pathogenic (2). 1 of the submissions does not count toward it. Last evaluated 2026-01-08.

Conditions:
Niemann-Pick disease, type C (NPC). Identifiers: Orphanet 646, MedGen C0220756, MONDO:0018982.
Inborn genetic diseases. Identifiers: MedGen C0950123, MeSH D030342.
NPC1-related disorder. Also called: NPC1-related condition.
Niemann-Pick disease, type C1. Also called: NIEMANN-PICK DISEASE, VARIANT TYPE C1; NEUROVISCERAL STORAGE DISEASE WITH VERTICAL SUPRANUCLEAR OPHTHALMOPLEGIA; NIEMANN-PICK DISEASE WITH CHOLESTEROL ESTERIFICATION BLOCK; NIEMANN-PICK DISEASE WITHOUT SPHINGOMYELINASE DEFICIENCY; NIEMANN-PICK DISEASE, CHRONIC NEURONOPATHIC FORM. Identifiers: Orphanet 646, MedGen C3179455, MONDO:0009757, OMIM 257220.

Allele frequency attached by ClinVar (database versions not stated): gnomAD exomes 0.00001 and 0.00002; ExAC 0.00002; TOPMed 0.00002.
gnomAD v4.1: 10 of 1,614,120 alleles (0.00062%); highest among the groups gnomAD compares: Admixed American, 0.0067%; no homozygotes.

Submissions (9):

GeneDx
Classification: Likely pathogenic. Last evaluated: 2026-01-08. Review status: criteria provided, single submitter. Criteria: GeneDx Variant Classification Process June 2021. Collection method: clinical testing. Allele origin: germline.
Comment: In silico analysis supports that this missense variant has a deleterious effect on protein structure/function; Not observed at significant frequency in large population cohorts (gnomAD); This variant is associated with the following publications: (PMID: 9400363, 34535129, 11545687, 27549128, 27366019, 32222928, 33767182, 36636588, 38715125)

Natera, Inc.
Classification: Pathogenic for Niemann-Pick disease type C1. Last evaluated: 2025-11-29. Review status: criteria provided, single submitter. Criteria: Natera Variant Classification Schema (03/2026). Collection method: clinical testing. Allele origin: germline.
Comment: The c.2780C>T variant in NPC1 is a missense variant predicted to cause substitution of alanine to valine at amino acid 927. This variant is rare in the general population with a frequency below the threshold expected for the associated phenotype(s). This variant has been observed in one or more individuals affected with the associated recessive disease, as either homozygous or compound heterozygous with a second variant (PMID: 22326530, 27549128). Computational prediction algorithms indicate this variant is likely to affect gene or protein function. Given the available evidence, this variant is classified as Pathogenic.

PreventionGenetics, part of Exact Sciences
Classification: Likely pathogenic for NPC1-related condition. Last evaluated: 2025-09-26. Review status: criteria provided, single submitter. Criteria: ACMG Guidelines, 2015. Collection method: clinical testing. Allele origin: germline.
Comment: The NPC1 c.2780C>T variant is predicted to result in the amino acid substitution p.Ala927Val. This variant has been reported in both the homozygous state and compound heterozygous state with another NPC1 variant in several individuals with clinically confirmed Niemann-Pick disease, type C (Meiner et al. 2001. PubMed ID: 11545687; Jahnova et al. 2014. PubMed ID: 25236789; Lee et al. 2016. PubMed ID: 27366019; Cervera-Gaviria et al. 2016. PubMed ID: 27549128; Hwang et al. 2022. PubMed ID: 36636588). This variant is reported in 0.012% of alleles in individuals of Latino descent in gnomAD. This variant is interpreted as likely pathogenic.

Labcorp Genetics (formerly Invitae), Labcorp
Classification: Pathogenic for Niemann-Pick disease, type C1. Last evaluated: 2025-06-24. Review status: criteria provided, single submitter. Criteria: Invitae Variant Classification Sherloc (09022015). Collection method: clinical testing. Allele origin: germline.
Comment: This sequence change replaces alanine, which is neutral and non-polar, with valine, which is neutral and non-polar, at codon 927 of the NPC1 protein (p.Ala927Val). This variant is present in population databases (rs753768576, gnomAD 0.01%). This missense change has been observed in individual(s) with Niemann-Pick type C (PMID: 11545687, 27366019, 27549128). In at least one individual the data is consistent with being in trans (on the opposite chromosome) from a pathogenic variant. ClinVar contains an entry for this variant (Variation ID: 552715). Invitae Evidence Modeling of protein sequence and biophysical properties (such as structural, functional, and spatial information, amino acid conservation, physicochemical variation, residue mobility, and thermodynamic stability) indicates that this missense variant is expected to disrupt NPC1 protein function with a positive predictive value of 95%. For these reasons, this variant has been classified as Pathogenic.

Ambry Genetics
Classification: Pathogenic for Inborn genetic diseases. Last evaluated: 2025-04-15. Review status: criteria provided, single submitter. Criteria: Ambry Variant Classification Scheme 2023. Collection method: clinical testing. Allele origin: germline.
Comment: The c.2780C>T (p.A927V) alteration is located in exon 18 (coding exon 18) of the NPC1 gene. This alteration results from a C to T substitution at nucleotide position 2780, causing the alanine (A) at amino acid position 927 to be replaced by a valine (V). Based on data from gnomAD, the T allele has an overall frequency of 0.002% (6/251354) total alleles studied. The highest observed frequency was 0.012% (4/34590) of Latino alleles. This variant has been identified in the homozygous state and/or in conjunction with other NPC1 variant(s) in individual(s) with features consistent with NPC1-related Niemann-Pick disease; in at least one instance, the variants were identified in trans (Meiner, 2001; Xiong, 2012; Jahnova, 2014; Cervera-Gaviria, 2016; Lee, 2016; Hwang, 2023). This amino acid position is well conserved in available vertebrate species. This alteration is predicted to be deleterious by in silico analysis. Based on the available evidence, this alteration is classified as pathogenic.

Laboratory of Genetics, Children's Clinical University Hospital Latvia
Classification: Pathogenic. Last evaluated: 2025-02-16. Review status: criteria provided, single submitter. Criteria: ACMG Guidelines, 2015. Collection method: clinical testing. Allele origin: germline. Affected: yes.

Women's Health and Genetics/Laboratory Corporation of America, LabCorp
Classification: Pathogenic for Niemann-Pick disease, type C. Last evaluated: 2024-05-16. Review status: criteria provided, single submitter. Criteria: LabCorp Variant Classification Summary - May 2015. Collection method: clinical testing. Allele origin: germline.
Comment: Variant summary: NPC1 c.2780C>T (p.Ala927Val) results in a non-conservative amino acid change in the encoded protein sequence. Five of five in-silico tools predict a damaging effect of the variant on protein function. The variant allele was found at a frequency of 2.4e-05 in 251354 control chromosomes. c.2780C>T has been reported in the literature as homozygous or in compound heterozygous state with a pathogenic variant in multiple individuals affected with Niemann-Pick Disease Type C (Meiner_2001, Lee_2016, Cervera-Gaviria_2016, Hwang_2023). This variant has also been shown to segregate with disease in at least two families (Meiner_2001, Lee_2016). These data indicate that the variant is very likely to be associated with disease. The following publications have been ascertained in the context of this evaluation (PMID: 27549128, 32222928, 36636588, 27366019, 11545687). ClinVar contains an entry for this variant (Variation ID: 552715). Based on the evidence outlined above, the variant was classified as pathogenic.

Revvity Omics, Revvity
Classification: Pathogenic for Niemann-Pick disease, type C1. Last evaluated: 2022-06-15. Review status: criteria provided, single submitter. Criteria: ACMG Guidelines, 2015. Collection method: clinical testing. Allele origin: germline.

Counsyl
Classification: Likely pathogenic for Niemann-Pick disease, type C1. Last evaluated: 2017-07-03. Review status: no assertion criteria provided. Collection method: clinical testing. Allele origin: unknown. Not counted in ClinVar's aggregate classification.

Literature cited by the submitters: PubMed 22326530 (cited by 3 submitters); PubMed 27549128 (cited by 5 submitters); PubMed 11545687 (cited by 4 submitters); PubMed 27366019 (cited by 4 submitters); PubMed 25236789 (cited by Ambry Genetics and Counsyl); PubMed 36636588 (cited by Ambry Genetics and Women's Health and Genetics/Laboratory Corporation of America, LabCorp); PubMed 32222928 (cited by Women's Health and Genetics/Laboratory Corporation of America, LabCorp); PubMed 26981555 (cited by Counsyl).